The following is an entry in ClinVar:

ClinVar aggregate classification (germline): Pathogenic (1 of 4 stars; one submission).

Submission:

Labcorp Genetics (formerly Invitae), Labcorp
Classification: Pathogenic. Last evaluated: 2023-03-25. Review status: criteria provided, single submitter. Criteria: Invitae Variant Classification Sherloc (09022015). Collection method: clinical testing. Allele origin: germline.
Comment: This variant has not been reported in the literature in individuals affected with SON-related conditions. For these reasons, this variant has been classified as Pathogenic. This variant is not present in population databases (gnomAD no frequency). This sequence change creates a premature translational stop signal (p.Glu335Alafs*27) in the SON gene. It is expected to result in an absent or disrupted protein product. Loss-of-function variants in SON are known to be pathogenic (PMID: 27545676, 27545680).

Literature cited by the submitters: PubMed 27545676; PubMed 27545680.

NM_138927.4(SON):c.1004_1017del (p.Glu335fs)

Gene: SON (SON DNA and RNA binding protein; plus strand). Cytogenetic location: 21q22.11.
Variant type: Deletion.
Coding change: c.1004_1017del on transcript NM_138927.4 (MANE Select); coding-DNA positions 1004 to 1017, 14 bases deleted (AAGCGCTAAGATTG).
Protein change: p.Glu335fs; shifts the reading frame from glutamic acid 335.
Molecular consequence: frameshift variant. On other transcripts: non-coding transcript variant (1), intron variant (1).
Genome position (GRCh38, 1-based): chr21:33,550,235-33,550,248, AAGCGCTAAGATTG deleted; deleting any 14 consecutive bases within chr21:33,550,231-33,550,248 gives the same sequence; the c. name uses the placement nearest the transcript's 3' end. VCF-style (leftmost placement, unchanged base first): chr21-33550230-AATTGAAGCGCTAAG-A. GRCh37 (hg19) VCF-style: chr21-34922536-AATTGAAGCGCTAAG-A.
Other names: c.1004_1017del, p.Glu335fs (NM_001291411.2, NM_032195.3); c.1004_1017delAAGCGCTAAGATTG, p.Glu335Alafs (NM_001412133.1, NM_058183.2, NM_138926.1); c.244+3856_244+3869del (NM_001291412.3); short protein forms E335fs.
Identifiers: ClinVar variation 2849329 (VCV002849329.3), dbSNP rs2517349667, ClinGen allele CA2739267594.